The following is an entry in ClinVar:

NM_001365276.2(TNXB):c.6523G>A (p.Val2175Met)

Gene: TNXB (tenascin XB; minus strand). Cytogenetic location: 6p21.33.
Variant type: single nucleotide variant.
Coding change: c.6523G>A on transcript NM_001365276.2 (MANE Select); coding-DNA position 6523, G replaced by A.
Protein change: p.Val2175Met; replaces valine 2175 with methionine.
Molecular consequence: missense variant.
Genome position (GRCh38, 1-based): chr6:32,067,682, C>T on the plus strand (G>A on the coding strand, the complement: TNXB is on the minus strand). VCF-style: chr6-32067682-C-T. GRCh37 (hg19) VCF-style: chr6-32035459-C-T.
Other names: c.7264G>A, p.Val2422Met (NM_001428335.1); c.6523G>A, p.Val2175Met (NM_019105.8); short protein forms V2175M, V2422M.
Identifiers: ClinVar variation 4826816 (VCV004826816.1).

ClinVar aggregate classification (germline): Uncertain significance (1 of 4 stars; one submission).

Conditions:
Cardiovascular phenotype. Identifiers: MedGen CN230736.

gnomAD v4.1: 3 of 1,613,716 alleles (0.00019%); highest among the groups gnomAD compares: Non-Finnish European, 0.00025%; no homozygotes.

Submission:

Ambry Genetics
Classification: Uncertain significance for Cardiovascular phenotype. Last evaluated: 2026-03-12. Review status: criteria provided, single submitter. Criteria: Ambry Variant Classification Scheme 2023. Collection method: clinical testing. Allele origin: germline.
Comment: The p.V2175M variant (also known as c.6523G>A), located in coding exon 17 of the TNXB gene, results from a G to A substitution at nucleotide position 6523. The valine at codon 2175 is replaced by methionine, an amino acid with highly similar properties. This amino acid position is conserved. In addition, this alteration is predicted to be tolerated by in silico analysis. Based on the available evidence, the clinical significance of this variant remains unclear.